The following is an entry in ClinVar:

NM_002547.3(OPHN1):c.1551T>A (p.Asn517Lys)

Gene: OPHN1 (oligophrenin 1; minus strand). Cytogenetic location: Xq12.
Variant type: single nucleotide variant.
Coding change: c.1551T>A on transcript NM_002547.3 (MANE Select); coding-DNA position 1551, T replaced by A.
Protein change: p.Asn517Lys; replaces asparagine 517 with lysine.
Molecular consequence: missense variant.
Genome position (GRCh38, 1-based): chrX:68,097,005, A>T on the plus strand (T>A on the coding strand, the complement: OPHN1 is on the minus strand). VCF-style: chrX-68097005-A-T. GRCh37 (hg19) VCF-style: chrX-67316847-A-T.
Other names: short protein forms N517K.
Identifiers: ClinVar variation 3903010 (VCV003903010.2).

ClinVar aggregate classification (germline): Uncertain significance. Review status: criteria provided, multiple submitters, no conflicts (2 of 4 stars). 2 submissions from 2 submitters: Uncertain significance (2). Last evaluated 2025-10-29.

Conditions:
Inborn genetic diseases. Identifiers: MedGen C0950123, MeSH D030342.

Submissions (2):

Ambry Genetics
Classification: Uncertain significance for Inborn genetic diseases. Last evaluated: 2025-10-29. Review status: criteria provided, single submitter. Criteria: Ambry Variant Classification Scheme 2023. Collection method: clinical testing. Allele origin: germline.
Comment: The c.1551T>A (p.N517K) alteration is located in exon 19 (coding exon 18) of the OPHN1 gene. This alteration results from a T to A substitution at nucleotide position 1551, causing the asparagine (N) at amino acid position 517 to be replaced by a lysine (K). This variant was not reported in population-based cohorts in the Genome Aggregation Database (gnomAD). This amino acid position is highly conserved in available vertebrate species. This alteration is predicted to be tolerated by in silico analysis. Based on insufficient or conflicting evidence, the clinical significance of this alteration remains unclear.

GeneDx
Classification: Uncertain significance. Last evaluated: 2024-12-11. Review status: criteria provided, single submitter. Criteria: GeneDx Variant Classification Process June 2021. Collection method: clinical testing. Allele origin: germline. Affected: yes.
Comment: Not observed at significant frequency in large population cohorts (gnomAD); In silico analysis supports that this missense variant has a deleterious effect on protein structure/function; Has not been previously published as pathogenic or benign to our knowledge